The following is an entry in ClinVar:

ClinVar aggregate classification (germline): Uncertain significance. Review status: criteria provided, multiple submitters, no conflicts (2 of 4 stars). 2 submissions from 2 submitters: Uncertain significance (2). Last evaluated 2026-06-17.

Conditions:
Inborn genetic diseases. Identifiers: MedGen C0950123, MeSH D030342.

Allele frequency attached by ClinVar (database versions not stated): gnomAD exomes 0.00001.
gnomAD v4.1: 13 of 1,613,622 alleles (0.00081%); highest among the groups gnomAD compares: Non-Finnish European, 0.001%; no homozygotes.

Submissions (2):

Ambry Genetics
Classification: Uncertain significance for Inborn genetic diseases. Last evaluated: 2026-06-17. Review status: criteria provided, single submitter. Criteria: Ambry Variant Classification Scheme 2023. Collection method: clinical testing. Allele origin: germline.

GeneDx
Classification: Uncertain significance. Last evaluated: 2019-01-09. Review status: criteria provided, single submitter. Criteria: GeneDx Variant Classification (06012015). Collection method: clinical testing. Allele origin: germline. Affected: yes.
Comment: The K238R variant in the FGG gene has not been reported previously as a pathogenic variant, nor as a benign variant, to our knowledge. This variant is not observed in large population cohorts (Lek et al., 2016; 1000 Genomes Consortium et al., 2015; Exome Variant Server). The K238R variant is a conservative amino acid substitution, which is not likely to impact secondary protein structure as these residues share similar properties, and occurs at a position where amino acids with similar properties to Lysine are tolerated across species. In silico analysis is inconsistent in its predictions as to whether or not the variant is damaging to the protein structure/function. We interpret K238R as a variant of uncertain significance.

NM_021870.3(FGG):c.713A>G (p.Lys238Arg)

Gene: FGG (fibrinogen gamma chain; minus strand). Cytogenetic location: 4q32.1.
Variant type: single nucleotide variant.
Coding change: c.713A>G on transcript NM_021870.3 (MANE Select); coding-DNA position 713, A replaced by G.
Protein change: p.Lys238Arg; replaces lysine 238 with arginine.
Molecular consequence: missense variant.
Genome position (GRCh38, 1-based): chr4:154,608,604, T>C on the plus strand (A>G on the coding strand, the complement: FGG is on the minus strand). VCF-style: chr4-154608604-T-C. GRCh37 (hg19) VCF-style: chr4-155529756-T-C.
Other names: c.713A>G, p.Lys238Arg (NM_000509.6); short protein forms K238R.
Identifiers: ClinVar variation 432325 (VCV000432325.3), dbSNP rs1553965666, ClinGen allele CA358536471.